The following is an entry in ClinVar:

NM_014874.4(MFN2):c.1085C>G (p.Thr362Arg)

Gene: MFN2 (mitofusin 2; plus strand). Cytogenetic location: 1p36.22.
Variant type: single nucleotide variant.
Coding change: c.1085C>G on transcript NM_014874.4 (MANE Select); coding-DNA position 1085, C replaced by G.
Protein change: p.Thr362Arg; replaces threonine 362 with arginine.
Molecular consequence: missense variant.
Genome position (GRCh38, 1-based): chr1:12,002,028, C>G. VCF-style: chr1-12002028-C-G. GRCh37 (hg19) VCF-style: chr1-12062085-C-G.
Other names: c.1085C>G, p.Thr362Arg (NM_001127660.2); short protein forms T362R.
Identifiers: ClinVar variation 408317 (VCV000408317.31), dbSNP rs387906991, ClinGen allele CA16609879.

ClinVar aggregate classification (germline): Conflicting classifications of pathogenicity. Review status: criteria provided, conflicting classifications (1 of 4 stars). 5 submissions from 5 submitters: Pathogenic (1); Likely pathogenic (2); Uncertain significance (2). Last evaluated 2026-01-19.

Conditions:
Charcot-Marie-Tooth disease. Also called: Charcot-Marie-Tooth Hereditary Neuropathy; Charcot-Marie-Tooth Neuropathy. Identifiers: Orphanet 166, MedGen C0007959, MONDO:0015626.
Charcot-Marie-Tooth disease type 2. Also called: Charcot-Marie-Tooth type 2. Identifiers: Orphanet 64746, MedGen C0270914, MONDO:0018993.

Submissions (5):

Labcorp Genetics (formerly Invitae), Labcorp
Classification: Pathogenic for Charcot-Marie-Tooth disease type 2. Last evaluated: 2026-01-19. Review status: criteria provided, single submitter. Criteria: Invitae Variant Classification Sherloc (09022015). Collection method: clinical testing. Allele origin: germline.
Comment: This sequence change replaces threonine, which is neutral and polar, with arginine, which is basic and polar, at codon 362 of the MFN2 protein (p.Thr362Arg). This variant is not present in population databases (gnomAD no frequency). This missense change has been observed in individuals with clinical features of Charcot-Marie-Tooth disease (PMID: 26392352, 26930221; internal data). It has also been observed to segregate with disease in related individuals. ClinVar contains an entry for this variant (Variation ID: 408317). Invitae Evidence Modeling of protein sequence and biophysical properties (such as structural, functional, and spatial information, amino acid conservation, physicochemical variation, residue mobility, and thermodynamic stability) indicates that this missense variant is expected to disrupt MFN2 protein function with a positive predictive value of 95%. This variant disrupts the p.Thr362 amino acid residue in MFN2. Other variant(s) that disrupt this residue have been determined to be pathogenic (PMID: 16835246, 18458227, 21715711, 26114802). This suggests that this residue is clinically significant, and that variants that disrupt this residue are likely to be disease-causing. For these reasons, this variant has been classified as Pathogenic.

CeGaT Center for Human Genetics Tuebingen
Classification: Likely pathogenic. Last evaluated: 2024-05-01. Review status: criteria provided, single submitter. Criteria: CeGaT Center For Human Genetics Tuebingen Variant Classification Criteria Version 2. Collection method: clinical testing. Allele origin: germline. Affected: yes. Observed: 1 variant allele.
Comment: MFN2: PM1, PM2, PM5, PS4:Moderate, PP3

ARUP Laboratories, Molecular Genetics and Genomics, ARUP Laboratories
Classification: Likely pathogenic. Last evaluated: 2024-02-05. Review status: criteria provided, single submitter. Criteria: ARUP Molecular Germline Variant Investigation Process 2024. Collection method: clinical testing. Allele origin: germline.
Comment: The MFN2 c.1085C>G; p.Thr362Arg variant (rs387906991) is reported in the literature in individuals and families with MFN2-related neuropathy (Antoniadi 2015, Grunseich 2021, Tomaselli 2016, Volodarsky 2021). This variant is also reported in ClinVar (Variation ID: 408317). It is absent from the Genome Aggregation Database (v2.1.1), indicating it is not a common polymorphism. Computational analyses predict that this variant is deleterious (REVEL: 0.804). A different variant at this codon (p.Thr362Met) has also been reported in individuals with MFN2-related neuropathy and is classified as likely pathogenic/pathogenic by multiple laboratories (see ClinVar Variation ID: 30738). Based on available information, the p.Thr362Arg variant is considered to be likely pathogenic. References: Antoniadi T et al. Application of targeted multi-gene panel testing for the diagnosis of inherited peripheral neuropathy provides a high diagnostic yield with unexpected phenotype-genotype variability. BMC Med Genet. 2015 Sep 21;16:84. PMID: 26392352. Grunseich C et al. Improving the efficacy of exome sequencing at a quaternary care referral centre: novel mutations, clinical presentations and diagnostic challenges in rare neurogenetic diseases. J Neurol Neurosurg Psychiatry. 2021 Nov;92(11):1186-1196. PMID: 34103343. Tomaselli PJ et al. Semi-dominant mutations in MFN2-related neuropathy and implications for genetic counselling. J Peripher Nerv Syst. 2016 Mar;21(1):52-4. PMID: 26930221. Volodarsky M et al. Comprehensive genetic sequence and copy number analysis for Charcot-Marie-Tooth disease in a Canadian cohort of 2517 patients. J Med Genet. 2021 Apr;58(4):284-288. PMID: 32376792.

Athena Diagnostics
Classification: Uncertain significance. Last evaluated: 2019-08-13. Review status: criteria provided, single submitter. Criteria: Athena Diagnostics Criteria. Collection method: clinical testing. Allele origin: germline.

Molecular Genetics Laboratory, London Health Sciences Centre
Classification: Uncertain significance for Charcot-Marie-Tooth disease. Review status: criteria provided, single submitter. Criteria: ACMG Guidelines, 2015. Collection method: clinical testing. Allele origin: germline. Affected: yes.

Literature cited by the submitters: PubMed 26392352 (cited by Labcorp Genetics (formerly Invitae), Labcorp and Athena Diagnostics); PubMed 26930221 (cited by Labcorp Genetics (formerly Invitae), Labcorp); PubMed 16835246 (cited by Labcorp Genetics (formerly Invitae), Labcorp); PubMed 18458227 (cited by Labcorp Genetics (formerly Invitae), Labcorp); PubMed 21715711 (cited by Labcorp Genetics (formerly Invitae), Labcorp); PubMed 26114802 (cited by Labcorp Genetics (formerly Invitae), Labcorp).